The following is an entry in ClinVar:

ClinVar aggregate classification (germline): Uncertain significance (1 of 4 stars; one submission).

Allele frequency attached by ClinVar (database versions not stated): gnomAD exomes below 0.00001; TOPMed below 0.00001.
gnomAD v4.1: 1 of 1,614,014 alleles (0.000062%); highest among the groups gnomAD compares: Admixed American, 0.0017%; no homozygotes.

Submission:

Labcorp Genetics (formerly Invitae), Labcorp
Classification: Uncertain significance. Last evaluated: 2023-03-17. Review status: criteria provided, single submitter. Criteria: Invitae Variant Classification Sherloc (09022015). Collection method: clinical testing. Allele origin: germline.
Comment: This variant is not present in population databases (gnomAD no frequency). In summary, the available evidence is currently insufficient to determine the role of this variant in disease. Therefore, it has been classified as a Variant of Uncertain Significance. Advanced modeling of protein sequence and biophysical properties (such as structural, functional, and spatial information, amino acid conservation, physicochemical variation, residue mobility, and thermodynamic stability) performed at Invitae indicates that this missense variant is not expected to disrupt C2CD3 protein function. This variant has not been reported in the literature in individuals affected with C2CD3-related conditions. This sequence change replaces alanine, which is neutral and non-polar, with threonine, which is neutral and polar, at codon 1188 of the C2CD3 protein (p.Ala1188Thr).

NM_001286577.2(C2CD3):c.3562G>A (p.Ala1188Thr)

Gene: C2CD3 (C2 domain containing 3 centriole elongation regulator; minus strand). Cytogenetic location: 11q13.4.
Variant type: single nucleotide variant.
Coding change: c.3562G>A on transcript NM_001286577.2 (MANE Select); coding-DNA position 3562, G replaced by A.
Protein change: p.Ala1188Thr; replaces alanine 1188 with threonine.
Molecular consequence: missense variant.
Genome position (GRCh38, 1-based): chr11:74,090,892, C>T on the plus strand (G>A on the coding strand, the complement: C2CD3 is on the minus strand). VCF-style: chr11-74090892-C-T. GRCh37 (hg19) VCF-style: chr11-73801937-C-T.
Other names: c.3562G>A, p.Ala1188Thr (NM_015531.6); short protein forms A1188T.
Identifiers: ClinVar variation 2786668 (VCV002786668.1), dbSNP rs1955865348, ClinGen allele CA381823256.